The following is an entry in ClinVar:

ClinVar aggregate classification (germline): Benign (0 of 4 stars; one submission).

Conditions:
MUC16-related disorder. Also called: MUC16-related condition.

Allele frequency attached by ClinVar (database versions not stated): 1000 Genomes Project 0.00180; ExAC 0.00333; 1000 Genomes Project 30x 0.31137.

Submission:

PreventionGenetics, part of Exact Sciences
Classification: Benign for MUC16-related condition. Last evaluated: 2019-10-18. Review status: no assertion criteria provided. Collection method: clinical testing. Allele origin: germline.
Comment: This variant is classified as benign based on ACMG/AMP sequence variant interpretation guidelines (Richards et al. 2015 PMID: 25741868, with internal and published modifications).

NM_001401501.2(MUC16):c.39272G>A (p.Arg13091His)

Gene: MUC16 (mucin 16, cell surface associated; minus strand). Cytogenetic location: 19p13.2.
Variant type: single nucleotide variant.
Coding change: c.39272G>A on transcript NM_001401501.2 (MANE Select); coding-DNA position 39272, G replaced by A.
Protein change: p.Arg13091His; replaces arginine 13091 with histidine.
Molecular consequence: missense variant.
Genome position (GRCh38, 1-based): chr19:8,898,964, C>T on the plus strand (G>A on the coding strand, the complement: MUC16 is on the minus strand). VCF-style: chr19-8898964-C-T. GRCh37 (hg19) VCF-style: chr19-9009640-C-T.
Other names: c.39698G>A, p.Arg13233His (NM_001414686.1); c.39152G>A, p.Arg13051His (NM_001414687.1); c.39086G>A, p.Arg13029His (NM_024690.2); short protein forms R13029H, R13051H, R13091H, R13233H.
Identifiers: ClinVar variation 3060886 (VCV003060886.2), dbSNP rs118154006, ClinGen allele CA9164222.